The following is an entry in ClinVar:

ClinVar aggregate classification (germline): Uncertain significance (1 of 4 stars; one submission).

Conditions:
Epilepsy, childhood absence, susceptibility to, 1. Also called: Epilepsy, childhood absence 1. Identifiers: Orphanet 64280, MedGen C1838604, MONDO:0020759, OMIM 600131.
Epilepsy, childhood absence, susceptibility to, 5. Identifiers: Orphanet 64280, MedGen C2677087, MONDO:0012843, OMIM 612269.

gnomAD v4.1: 1 of 1,614,144 alleles (0.000062%); highest among the groups gnomAD compares: Non-Finnish European, 0.000085%; no homozygotes.

Submission:

Labcorp Genetics (formerly Invitae), Labcorp
Classification: Uncertain significance for Epilepsy, childhood absence, susceptibility to, 5; Epilepsy, childhood absence, susceptibility to, 1. Last evaluated: 2022-05-17. Review status: criteria provided, single submitter. Criteria: Invitae Variant Classification Sherloc (09022015). Collection method: clinical testing. Allele origin: germline.
Comment: This variant is present in population databases (no rsID available, gnomAD 0.0009%). This variant has not been reported in the literature in individuals affected with GABRB3-related conditions. Advanced modeling of protein sequence and biophysical properties (such as structural, functional, and spatial information, amino acid conservation, physicochemical variation, residue mobility, and thermodynamic stability) performed at Invitae indicates that this missense variant is not expected to disrupt GABRB3 protein function. This sequence change replaces glutamine, which is neutral and polar, with histidine, which is basic and polar, at codon 434 of the GABRB3 protein (p.Gln434His). In summary, the available evidence is currently insufficient to determine the role of this variant in disease. Therefore, it has been classified as a Variant of Uncertain Significance.

NM_000814.6(GABRB3):c.1302G>C (p.Gln434His)

Gene: GABRB3 (gamma-aminobutyric acid type A receptor subunit beta3; minus strand). Cytogenetic location: 15q12.
Variant type: single nucleotide variant.
Coding change: c.1302G>C on transcript NM_000814.6 (MANE Select); coding-DNA position 1302, G replaced by C.
Protein change: p.Gln434His; replaces glutamine 434 with histidine.
Molecular consequence: missense variant.
Genome position (GRCh38, 1-based): chr15:26,547,913, C>G on the plus strand (G>C on the coding strand, the complement: GABRB3 is on the minus strand). VCF-style: chr15-26547913-C-G. GRCh37 (hg19) VCF-style: chr15-26793060-C-G.
Other names: c.1047G>C, p.Gln349His (NM_001191320.2, NM_001278631.2); c.1089G>C, p.Gln363His (NM_001191321.3); c.1302G>C, p.Gln434His (NM_021912.5); short protein forms Q363H, Q434H, Q349H.
Identifiers: ClinVar variation 1995743 (VCV001995743.4), dbSNP rs1247883776, ClinGen allele CA391458657.